The following is an entry in ClinVar:

NM_000540.3(RYR1):c.10850A>C (p.Lys3617Thr)

Gene: RYR1 (ryanodine receptor 1; plus strand). Cytogenetic location: 19q13.2.
Variant type: single nucleotide variant.
Coding change: c.10850A>C on transcript NM_000540.3 (MANE Select); coding-DNA position 10850, A replaced by C.
Protein change: p.Lys3617Thr; replaces lysine 3617 with threonine.
Molecular consequence: missense variant.
Genome position (GRCh38, 1-based): chr19:38,528,331, A>C. VCF-style: chr19-38528331-A-C. GRCh37 (hg19) VCF-style: chr19-39018971-A-C.
Other names: c.10835A>C, p.Lys3612Thr (NM_001042723.2); short protein forms K3612T, K3617T.
Identifiers: ClinVar variation 1308235 (VCV001308235.9), dbSNP rs968796694, ClinGen allele CA308081810.

ClinVar aggregate classification (germline): Uncertain significance. Review status: criteria provided, multiple submitters, no conflicts (2 of 4 stars). 4 submissions from 4 submitters: Uncertain significance (4). Last evaluated 2025-06-09.

Conditions:
RYR1-related disorder. Also called: RYR1-related disorders; RYR1-related condition. Identifiers: MedGen CN239331.
Malignant hyperthermia, susceptibility to, 1 (MHS1). Also called: RYR1-Related Malignant Hyperthermia Susceptibility; Anesthesia related hyperthermia; Malignant hyperpyrexia; Fulminating hyperpyrexia; Pharmacogenic myopathy; Malignant hyperthermia suceptibility 1. Identifiers: Orphanet 423, MedGen C2930980, MONDO:0007783, OMIM 145600.

Allele frequency attached by ClinVar (database versions not stated): gnomAD exomes below 0.00001; TOPMed 0.00001.
gnomAD v4.1: 6 of 1,613,922 alleles (0.00037%); highest among the groups gnomAD compares: Non-Finnish European, 0.00042%; no homozygotes.

Submissions (4):

Color Diagnostics, LLC DBA Color Health
Classification: Uncertain significance for Malignant hyperthermia, susceptibility to, 1. Last evaluated: 2025-06-09. Review status: criteria provided, single submitter. Criteria: ACMG Guidelines, 2015. Collection method: clinical testing. Allele origin: germline.
Comment: This missense variant replaces lysine with threonine at codon 3617 of the RYR1 protein. Computational prediction suggests that this variant may have deleterious impact on protein structure and function. To our knowledge, functional studies have not been reported for this variant. This variant has not been reported in individuals affected with RYR1-related disorders in the literature. This variant has been identified in 1/251434 chromosomes in the general population by the Genome Aggregation Database (gnomAD). The available evidence is insufficient to determine the role of this variant in disease conclusively. Therefore, this variant is classified as a Variant of Uncertain Significance.

Labcorp Genetics (formerly Invitae), Labcorp
Classification: Uncertain significance for RYR1-related disorder. Last evaluated: 2022-09-22. Review status: criteria provided, single submitter. Criteria: Invitae Variant Classification Sherloc (09022015). Collection method: clinical testing. Allele origin: germline.
Comment: This sequence change replaces lysine, which is basic and polar, with threonine, which is neutral and polar, at codon 3617 of the RYR1 protein (p.Lys3617Thr). This variant is present in population databases (no rsID available, gnomAD 0.0009%). This variant has not been reported in the literature in individuals affected with RYR1-related conditions. ClinVar contains an entry for this variant (Variation ID: 1308235). Advanced modeling of protein sequence and biophysical properties (such as structural, functional, and spatial information, amino acid conservation, physicochemical variation, residue mobility, and thermodynamic stability) performed at Invitae indicates that this missense variant is expected to disrupt RYR1 protein function. In summary, the available evidence is currently insufficient to determine the role of this variant in disease. Therefore, it has been classified as a Variant of Uncertain Significance.

Revvity Omics, Revvity
Classification: Uncertain significance. Last evaluated: 2020-01-13. Review status: criteria provided, single submitter. Criteria: ACMG Guidelines, 2015. Collection method: clinical testing. Allele origin: germline.

GeneDx
Classification: Uncertain significance. Last evaluated: 2019-03-25. Review status: criteria provided, single submitter. Criteria: GeneDx Variant Classification Process June 2021. Collection method: clinical testing. Allele origin: germline. Affected: yes.
Comment: Has not been previously published as pathogenic or benign to our knowledge; Not observed at a significant frequency in large population cohorts (Lek et al., 2016); In silico analysis, which includes protein predictors and evolutionary conservation, supports a deleterious effect